The following is an entry in ClinVar:

ClinVar aggregate classification (germline): Benign (0 of 4 stars; one submission).

Conditions:
SDK2-related disorder. Also called: SDK2-related condition.

Allele frequency attached by ClinVar (database versions not stated): 1000 Genomes Project 0.01917; ESP Exome Variant Server 0.00031; TOPMed 0.00397; ExAC 0.01016; 1000 Genomes Project 30x 0.01733.
gnomAD v4.1: 5,110 of 1,608,626 alleles (0.32%); highest among the groups gnomAD compares: East Asian, 7.9%; 169 homozygotes.

Submission:

PreventionGenetics, part of Exact Sciences
Classification: Benign for SDK2-related condition. Last evaluated: 2019-04-01. Review status: no assertion criteria provided. Collection method: clinical testing. Allele origin: germline.
Comment: This variant is classified as benign based on ACMG/AMP sequence variant interpretation guidelines (Richards et al. 2015 PMID: 25741868, with internal and published modifications).

NM_001144952.2(SDK2):c.4533G>A (p.Thr1511=)

Gene: SDK2 (sidekick cell adhesion molecule 2; minus strand). Cytogenetic location: 17q25.1.
Variant type: single nucleotide variant.
Coding change: c.4533G>A on transcript NM_001144952.2 (MANE Select); coding-DNA position 4533, G replaced by A.
Protein change: p.Thr1511=; no amino-acid change (threonine 1511 retained).
Molecular consequence: synonymous variant.
Genome position (GRCh38, 1-based): chr17:73,385,883, C>T on the plus strand (G>A on the coding strand, the complement: SDK2 is on the minus strand). VCF-style: chr17-73385883-C-T. GRCh37 (hg19) VCF-style: chr17-71382022-C-T.
Identifiers: ClinVar variation 3057163 (VCV003057163.2), dbSNP rs117291342, ClinGen allele CA8742746.
Genomic context (GRCh38, chr17:73,385,883, plus strand): 5'-GGTTTCCTGCCCGCTGGGCCATACCTGCCATCGGATTAGCACGGAGGTGGTGGTGTGGGG[C>T]GTCACGGAGAGGATGGTGGGTGCTTCATCGGGGGCTGTGGAGAGAAGCAGACAGGTGGGT-3'
Protein context (NP_001138424.1, residues 1501-1521): PDEAPTILSV[Thr1511=]PHTTTSVLIR